The following is an entry in ClinVar:

ClinVar aggregate classification (germline): Likely pathogenic (1 of 4 stars; one submission).

Conditions:
Pontocerebellar hypoplasia type 1A (PCH1A). Also called: PONTOCEREBELLAR HYPOPLASIA WITH ANTERIOR HORN CELL DISEASE; PONTOCEREBELLAR HYPOPLASIA WITH INFANTILE SPINAL MUSCULAR ATROPHY. Identifiers: Orphanet 2254, Orphanet 88616, MedGen C1843504, MONDO:0011866, OMIM 607596.

Submission:

Labcorp Genetics (formerly Invitae), Labcorp
Classification: Likely pathogenic for Pontocerebellar hypoplasia type 1A. Last evaluated: 2021-11-18. Review status: criteria provided, single submitter. Criteria: Invitae Variant Classification Sherloc (09022015). Collection method: clinical testing. Allele origin: germline.
Comment: In summary, the currently available evidence indicates that the variant is pathogenic, but additional data are needed to prove that conclusively. Therefore, this variant has been classified as Likely Pathogenic. Algorithms developed to predict the effect of sequence changes on RNA splicing suggest that this variant may disrupt the consensus splice site. This variant has not been reported in the literature in individuals affected with VRK1-related conditions. This variant is not present in population databases (gnomAD no frequency). This sequence change affects a donor splice site in intron 2 of the VRK1 gene. It is expected to disrupt RNA splicing. Variants that disrupt the donor or acceptor splice site typically lead to a loss of protein function (PMID: 16199547), and loss-of-function variants in VRK1 are known to be pathogenic (PMID: 19646678, 24126608, 27281532).

Literature cited by the submitters: PubMed 16199547; PubMed 19646678; PubMed 24126608; PubMed 27281532.

NM_003384.3(VRK1):c.160+1G>T

Gene: VRK1 (VRK serine/threonine kinase 1; plus strand). Cytogenetic location: 14q32.2.
Variant type: single nucleotide variant.
Coding change: c.160+1G>T on transcript NM_003384.3 (MANE Select); the canonical splice donor site of the intron after coding-DNA position 160, G replaced by T.
Molecular consequence: splice donor variant.
Genome position (GRCh38, 1-based): chr14:96,833,632, G>T. VCF-style: chr14-96833632-G-T. GRCh37 (hg19) VCF-style: chr14-97299969-G-T.
Other names: c.160+1G>T (NM_001411051.1, NM_001411053.1).
Identifiers: ClinVar variation 1484348 (VCV001484348.7), dbSNP rs2139749072, ClinGen allele CA390931258.